The following is an entry in ClinVar:

ClinVar aggregate classification (germline): Uncertain significance. Review status: criteria provided, multiple submitters, no conflicts (2 of 4 stars). 4 submissions from 4 submitters: Uncertain significance (4). Last evaluated 2025-02-13.

Conditions:
Autosomal recessive limb-girdle muscular dystrophy type 2J (LGMDR10). Also called: Limb-girdle muscular dystrophy, type 2J; MUSCULAR DYSTROPHY, LIMB-GIRDLE, AUTOSOMAL RECESSIVE 10. Identifiers: Orphanet 140922, MedGen C1837342, MONDO:0012127, OMIM 608807.
Dilated cardiomyopathy 1G (CMD1G). Identifiers: Orphanet 154, MedGen C1858763, MONDO:0011400, OMIM 604145.
Myopathy, myofibrillar, 9, with early respiratory failure (MFM9). Also called: EDSTROM MYOPATHY; MYOPATHY, PROXIMAL, WITH EARLY RESPIRATORY MUSCLE INVOLVEMENT; Hereditary myopathy with early respiratory failure; Myopathy, distal, with early respiratory failure, autosomal dominant. Identifiers: Orphanet 178464, Orphanet 34521, MedGen C1863599, MONDO:0011362, OMIM 603689.
Hypertrophic cardiomyopathy 9. Also called: Familial hypertrophic cardiomyopathy 9. Identifiers: MedGen C1861065, MONDO:0013412, OMIM 613765.
Early-onset myopathy with fatal cardiomyopathy (CMYO5). Also called: Salih Myopathy; CONGENITAL MYOPATHY 5 WITH CARDIOMYOPATHY. Identifiers: Orphanet 289377, MedGen C2673677, MONDO:0012714, OMIM 611705. Disease mechanism: loss of function.
Tibial muscular dystrophy (TMD). Also called: UDD MYOPATHY; Tibial muscular dystrophy, tardive; Udd Distal Myopathy – Tibial Muscular Dystrophy. Identifiers: Orphanet 609, MedGen C1838244, MONDO:0010870, OMIM 600334.

Allele frequency attached by ClinVar (database versions not stated): gnomAD exomes below 0.00001; ExAC 0.00001; gnomAD 0.00004 and 0.00006; TOPMed 0.00006; ESP Exome Variant Server 0.00008.
gnomAD v4.1: 8 of 1,612,286 alleles (0.0005%); highest among the groups gnomAD compares: African/African-American, 0.011%; no homozygotes.

Submissions (4):

GeneDx
Classification: Uncertain significance. Last evaluated: 2025-02-13. Review status: criteria provided, single submitter. Criteria: GeneDx Variant Classification Process June 2021. Collection method: clinical testing. Allele origin: germline. Affected: yes.
Comment: Not observed at significant frequency in large population cohorts (gnomAD); Missense variant in a gene in which most reported pathogenic variants are truncating/loss of function; Has not been previously published as pathogenic or benign to our knowledge

Revvity Omics, Revvity
Classification: Uncertain significance. Last evaluated: 2022-11-08. Review status: criteria provided, single submitter. Criteria: ACMG Guidelines, 2015. Collection method: clinical testing. Allele origin: germline.

Fulgent Genetics
Classification: Uncertain significance for Tibial muscular dystrophy; Myopathy, myofibrillar, 9, with early respiratory failure; Dilated cardiomyopathy 1G; Autosomal recessive limb-girdle muscular dystrophy type 2J; Early-onset myopathy with fatal cardiomyopathy; Hypertrophic cardiomyopathy 9. Last evaluated: 2021-07-20. Review status: criteria provided, single submitter. Criteria: ACMG Guidelines, 2015. Collection method: clinical testing. Allele origin: unknown.

Athena Diagnostics
Classification: Uncertain significance. Last evaluated: 2017-02-06. Review status: criteria provided, single submitter. Criteria: Athena Diagnostics Criteria. Collection method: clinical testing. Allele origin: germline.

NM_001267550.2(TTN):c.92137G>C (p.Ala30713Pro)

Genes: TTN (titin; minus strand), TTN-AS1 (TTN antisense RNA 1; plus strand). Cytogenetic location: 2q31.2.
Variant type: single nucleotide variant.
Coding change: c.92137G>C on transcript NM_001267550.2 (MANE Select); coding-DNA position 92137, G replaced by C.
Protein change: p.Ala30713Pro; replaces alanine 30713 with proline.
Molecular consequence: missense variant.
Genome position (GRCh38, 1-based): chr2:178,549,585, C>G on the plus strand (G>C on the coding strand, the complement: TTN is on the minus strand). VCF-style: chr2-178549585-C-G. GRCh37 (hg19) VCF-style: chr2-179414312-C-G.
Other names: c.87214G>C, p.Ala29072Pro (NM_001256850.1); c.64942G>C, p.Ala21648Pro (NM_003319.4); c.84433G>C, p.Ala28145Pro (NM_133378.4); c.65317G>C, p.Ala21773Pro (NM_133432.3); c.65518G>C, p.Ala21840Pro (NM_133437.4); c.92137G>C (LRG_391t1); short protein forms A30713P, A21773P, A21840P, A21648P, A28145P, A29072P.
Identifiers: ClinVar variation 448829 (VCV000448829.6), dbSNP rs367807708, ClinGen allele CA1987495.
Genomic context (GRCh38, chr2:178,549,585, plus strand): 5'-GTTAAACTTTTGACATAGTACCGCTTAGTAAAAACGCAAACTTACTATATTGTATTTGAG[C>G]AACCACTGGATCAGAATCAAGTGGCCTGCCAACACCAAACTTGTTAACTGCAGAAACACG-3'
Protein context (NP_001254479.2, residues 30703-30723): GRPLDSDPVV[Ala30713Pro]QIQYTVPDAP